The following is an entry in ClinVar:

NM_014920.5(CILK1):c.1260C>G (p.Asp420Glu)

Gene: CILK1 (ciliogenesis associated kinase 1; minus strand). Cytogenetic location: 6p12.1.
Variant type: single nucleotide variant.
Coding change: c.1260C>G on transcript NM_014920.5 (MANE Select); coding-DNA position 1260, C replaced by G.
Protein change: p.Asp420Glu; replaces aspartic acid 420 with glutamic acid.
Molecular consequence: missense variant. On other transcripts: non-coding transcript variant (1).
Genome position (GRCh38, 1-based): chr6:53,012,120, G>C on the plus strand (C>G on the coding strand, the complement: CILK1 is on the minus strand). VCF-style: chr6-53012120-G-C. GRCh37 (hg19) VCF-style: chr6-52876918-G-C.
Other names: c.1281C>G, p.Asp427Glu (NM_001375397.1); c.1260C>G, p.Asp420Glu (NM_001375398.1, NM_001375399.1, NM_001375400.1 and 3 more transcripts); c.1260C>G (NM_016513.4); short protein forms D420E, D427E.
Identifiers: ClinVar variation 1680542 (VCV001680542.7), dbSNP rs371879249, ClinGen allele CA3858592.
Genomic context (GRCh38, chr6:53,012,120, plus strand): 5'-TCTTTTCTTGTTTTTCAGGTCAATCCTGCTGAGGGATGGACTGAAATCCAAGTCATCCAA[G>C]TCAGCCCAATCATCTGAATCCTTTGTTGACCTGGAAATAAGACCCCACCTTCTCCTACTC-3'
Protein context (NP_055735.1, residues 410-430): RSTKDSDDWA[Asp420Glu]LDDLDFSPSL

ClinVar aggregate classification (germline): Conflicting classifications of pathogenicity. Review status: criteria provided, conflicting classifications (1 of 4 stars). 2 submissions from 2 submitters: Uncertain significance (1); Likely benign (1). Last evaluated 2026-05-21.

Allele frequency attached by ClinVar (database versions not stated): TOPMed 0.00003; gnomAD exomes 0.00002; gnomAD 0.00002; ExAC 0.00002; ESP Exome Variant Server 0.00008.
gnomAD v4.1: 38 of 1,614,018 alleles (0.0024%); highest among the groups gnomAD compares: Non-Finnish European, 0.0031%; no homozygotes.

Submissions (2):

Ambry Genetics
Classification: Likely benign. Last evaluated: 2026-05-21. Review status: criteria provided, single submitter. Criteria: Ambry Variant Classification Scheme 2023. Collection method: clinical testing. Allele origin: germline.

Labcorp Genetics (formerly Invitae), Labcorp
Classification: Uncertain significance. Last evaluated: 2021-08-26. Review status: criteria provided, single submitter. Criteria: Invitae Variant Classification Sherloc (09022015). Collection method: clinical testing. Allele origin: germline.
Comment: This sequence change replaces aspartic acid with glutamic acid at codon 420 of the ICK protein (p.Asp420Glu). The aspartic acid residue is highly conserved and there is a small physicochemical difference between aspartic acid and glutamic acid. This variant is present in population databases (rs371879249, ExAC 0.003%). This variant has not been reported in the literature in individuals affected with ICK-related conditions. Algorithms developed to predict the effect of missense changes on protein structure and function output the following: SIFT: "Deleterious"; PolyPhen-2: "Benign"; Align-GVGD: "Class C35". The glutamic acid amino acid residue is found in multiple mammalian species, which suggests that this missense change does not adversely affect protein function. In summary, the available evidence is currently insufficient to determine the role of this variant in disease. Therefore, it has been classified as a Variant of Uncertain Significance.